The following is an entry in ClinVar:

ClinVar aggregate classification (germline): Uncertain significance. Review status: criteria provided, multiple submitters, no conflicts (2 of 4 stars). 4 submissions from 4 submitters: Uncertain significance (3). 1 of the submissions does not count toward it. Last evaluated 2025-05-21.

Conditions:
Bloom syndrome (BLM). Also called: Bloom-Torre-Machacek syndrome. Identifiers: Orphanet 125, MedGen C0005859, MONDO:0008876, OMIM 210900.
Hereditary cancer-predisposing syndrome. Also called: Hereditary Cancer Syndrome; Hereditary neoplastic syndrome; Neoplastic Syndromes, Hereditary; Tumor predisposition. Identifiers: Orphanet 140162, MedGen C0027672, MeSH D009386, MONDO:0015356.

Allele frequency attached by ClinVar (database versions not stated): gnomAD exomes below 0.00001 and 0.00001; TOPMed below 0.00001; ExAC 0.00002.
gnomAD v4.1: 2 of 1,613,622 alleles (0.00012%); highest among the groups gnomAD compares: East Asian, 0.0022%; no homozygotes.

Submissions (4):

Labcorp Genetics (formerly Invitae), Labcorp
Classification: Uncertain significance for Bloom syndrome. Last evaluated: 2025-05-21. Review status: criteria provided, single submitter. Criteria: Invitae Variant Classification Sherloc (09022015). Collection method: clinical testing. Allele origin: germline.
Comment: This sequence change falls in intron 18 of the BLM gene. It does not directly change the encoded amino acid sequence of the BLM protein. It affects a nucleotide within the consensus splice site. This variant is present in population databases (rs766386042, gnomAD 0.01%). This variant has not been reported in the literature in individuals affected with BLM-related conditions. ClinVar contains an entry for this variant (Variation ID: 405294). Variants that disrupt the consensus splice site are a relatively common cause of aberrant splicing (PMID: 17576681, 9536098). Studies have shown that this variant is associated with inconclusive levels of altered splicing (internal data). In summary, the available evidence is currently insufficient to determine the role of this variant in disease. Therefore, it has been classified as a Variant of Uncertain Significance.

Women's Health and Genetics/Laboratory Corporation of America, LabCorp
Classification: Uncertain significance. Last evaluated: 2024-05-20. Review status: criteria provided, single submitter. Criteria: LabCorp Variant Classification Summary - May 2015. Collection method: clinical testing. Allele origin: germline.

Ambry Genetics
Classification: Uncertain significance for Hereditary cancer-predisposing syndrome. Last evaluated: 2023-09-26. Review status: criteria provided, single submitter. Criteria: Ambry Variant Classification Scheme 2023. Collection method: clinical testing. Allele origin: germline.
Comment: The c.3558+3A>G intronic variant results from an A to G substitution 3 nucleotides after coding exon 17 in the BLM gene. This nucleotide position is well conserved in available vertebrate species. In silico splice site analysis for this alteration is inconclusive. Since supporting evidence is limited at this time, the clinical significance of this alteration remains unclear.

Natera, Inc.
Classification: Uncertain significance for Bloom syndrome. Last evaluated: 2018-10-27. Review status: no assertion criteria provided. Collection method: clinical testing. Allele origin: germline. Not counted in ClinVar's aggregate classification.

Literature cited by the submitters: PubMed 17576681 (cited by Labcorp Genetics (formerly Invitae), Labcorp); PubMed 9536098 (cited by Labcorp Genetics (formerly Invitae), Labcorp).

NM_000057.4(BLM):c.3558+3A>G

Gene: BLM (BLM RecQ like helicase; plus strand). Cytogenetic location: 15q26.1.
Variant type: single nucleotide variant.
Coding change: c.3558+3A>G on transcript NM_000057.4 (MANE Select); 3 bases into the intron after coding-DNA position 3558, A replaced by G.
Molecular consequence: intron variant.
Genome position (GRCh38, 1-based): chr15:90,803,723, A>G. VCF-style: chr15-90803723-A-G. GRCh37 (hg19) VCF-style: chr15-91346953-A-G.
Other names: c.3558+3A>G (NM_000057.2, NM_001287246.2); c.2433+3A>G (NM_001287248.2); c.3358+5386A>G (NM_001287247.2).
Identifiers: ClinVar variation 405294 (VCV000405294.10), dbSNP rs766386042, ClinGen allele CA7739059.
Genomic context (GRCh38, chr15:90,803,723, plus strand): 5'-GATCGCTTATGTGATGCTCGGAAATAAAGCCCAAACTGTACTAAATGGCAATTTAAAGGT[A>G]TAGTATTTTTCATGTTTATTTTATTATCTCACAATGAGTGAACCAAAATATATTATTGTG-3'